The following is an entry in ClinVar:

NC_000012.12:g.110282602AG[1]

Gene: ATP2A2 (ATPase sarcoplasmic/endoplasmic reticulum Ca2+ transporting 2; plus strand). Cytogenetic location: 12q24.11.
Variant type: Microsatellite.
Genome position: GRCh38 VCF-style: chr12-110282601-CAG-C. GRCh37 (hg19) VCF-style: chr12-110720406-CAG-C.
Identifiers: ClinVar variation 2735966 (VCV002735966.3), dbSNP rs2500176996, ClinGen allele CA2695217366.

ClinVar aggregate classification (germline): Pathogenic (1 of 4 stars; one submission).

Submission:

Labcorp Genetics (formerly Invitae), Labcorp
Classification: Pathogenic. Last evaluated: 2023-04-27. Review status: criteria provided, single submitter. Criteria: Invitae Variant Classification Sherloc (09022015). Collection method: clinical testing. Allele origin: germline.
Comment: This sequence change creates a premature translational stop signal (p.Glu40Valfs*4) in the ATP2A2 gene. It is expected to result in an absent or disrupted protein product. Loss-of-function variants in ATP2A2 are known to be pathogenic (PMID: 10080178, 10441324). This variant is not present in population databases (gnomAD no frequency). This premature translational stop signal has been observed in individual(s) with Darier disease (PMID: 10441324). Algorithms developed to predict the effect of sequence changes on RNA splicing suggest that this variant may disrupt the consensus splice site. For these reasons, this variant has been classified as Pathogenic.

Literature cited by the submitters: PubMed 10080178; PubMed 10441324.